The following is an entry in ClinVar:

ClinVar aggregate classification (germline): Uncertain significance (1 of 4 stars; one submission).

Conditions:
Inborn genetic diseases. Identifiers: MedGen C0950123, MeSH D030342.

Submission:

Ambry Genetics
Classification: Uncertain significance for Inborn genetic diseases. Last evaluated: 2022-09-18. Review status: criteria provided, single submitter. Criteria: Ambry Variant Classification Scheme 2023. Collection method: clinical testing. Allele origin: germline.
Comment: The p.I561S variant (also known as c.1682T>G), located in coding exon 18 of the ERCC2 gene, results from a T to G substitution at nucleotide position 1682. The isoleucine at codon 561 is replaced by serine, an amino acid with dissimilar properties. This amino acid position is conserved. In addition, this alteration is predicted to be deleterious by in silico analysis. Since supporting evidence is limited at this time, the clinical significance of this alteration remains unclear.

NM_000400.4(ERCC2):c.1682T>G (p.Ile561Ser)

Gene: ERCC2 (ERCC excision repair 2, TFIIH core complex helicase subunit; minus strand). Cytogenetic location: 19q13.32.
Variant type: single nucleotide variant.
Coding change: c.1682T>G on transcript NM_000400.4 (MANE Select); coding-DNA position 1682, T replaced by G.
Protein change: p.Ile561Ser; replaces isoleucine 561 with serine.
Molecular consequence: missense variant.
Genome position (GRCh38, 1-based): chr19:45,353,318, A>C on the plus strand (T>G on the coding strand, the complement: ERCC2 is on the minus strand). VCF-style: chr19-45353318-A-C. GRCh37 (hg19) VCF-style: chr19-45856576-A-C.
Other names: short protein forms I561S.
Identifiers: ClinVar variation 1777945 (VCV001777945.2), dbSNP rs2514002890, ClinGen allele CA406364512.
Genomic context (GRCh38, chr19:45,353,318, plus strand): 5'-AGGGCGACACTGGTTTCGGCACCATCCTGGGTCTCAATAAAGAGCAGCTTGTTCCTCTGG[A>C]TGTTCTCAAGGATCCCCTGGGGAAGGACCCAGGGAGGTCAGGGTGGGTTCAGGGCACAGC-3'
Protein context (NP_000391.1, residues 551-571): SWYEQGILEN[Ile561Ser]QRNKLLFIET